The following is an entry in ClinVar:

NM_004006.3(DMD):c.4069dup (p.Glu1357fs)

Gene: DMD (dystrophin; minus strand). Cytogenetic location: Xp21.1.
Variant type: Duplication.
Coding change: c.4069dup on transcript NM_004006.3 (MANE Select); coding-DNA position 4069, one base duplicated (G; older notation c.4069dupG).
Protein change: p.Glu1357fs; shifts the reading frame from glutamic acid 1357.
Molecular consequence: frameshift variant.
Genome position (GRCh38, 1-based): chrX:32,438,243, C duplicated on the plus strand (G on the coding strand, the reverse complement: DMD is on the minus strand). VCF-style (leftmost placement, unchanged base first): chrX-32438242-T-TC. GRCh37 (hg19) VCF-style: chrX-32456359-T-TC.
Other names: c.4045dup, p.Glu1349fs (NM_000109.4); c.4057dup, p.Glu1353fs (NM_004009.3); c.3700dup, p.Glu1234fs (NM_004010.3); short protein forms E1234fs, E1349fs, E1353fs, E1357fs.
Identifiers: ClinVar variation 1806415 (VCV001806415.1), dbSNP rs2524070901, ClinGen allele CA2580100646.

ClinVar aggregate classification (germline): Likely pathogenic (1 of 4 stars; one submission).

Conditions:
Duchenne muscular dystrophy (DMD). Also called: MUSCULAR DYSTROPHY, PSEUDOHYPERTROPHIC PROGRESSIVE, DUCHENNE TYPE; Duchenne Muscular Dystrophy (DMD). Identifiers: Orphanet 98896, MedGen C0013264, MONDO:0010679, OMIM 310200.

Submission:

Laboratory of Medical Genetics, National & Kapodistrian University of Athens
Classification: Likely pathogenic for Duchenne muscular dystrophy. Last evaluated: 2022-12-16. Review status: criteria provided, single submitter. Criteria: ACMG Guidelines, 2015. Collection method: clinical testing. Allele origin: germline. Affected: yes.
Comment: PVS1, PM2